The following is an entry in ClinVar:

ClinVar aggregate classification (germline): Pathogenic (1 of 4 stars; one submission).

Submission:

Labcorp Genetics (formerly Invitae), Labcorp
Classification: Pathogenic. Last evaluated: 2021-02-11. Review status: criteria provided, single submitter. Criteria: Invitae Variant Classification Sherloc (09022015). Collection method: clinical testing. Allele origin: germline.
Comment: For these reasons, this variant has been classified as Pathogenic. This sequence change creates a premature translational stop signal (p.Gln1997*) in the VPS13A gene. It is expected to result in an absent or disrupted protein product. Loss-of-function variants in VPS13A are known to be pathogenic (PMID: 12404112, 21598378). This variant is not present in population databases (ExAC no frequency). This variant has not been reported in the literature in individuals with VPS13A-related conditions. Algorithms developed to predict the effect of sequence changes on RNA splicing suggest that this variant may create or strengthen a splice site, but this prediction has not been confirmed by published transcriptional studies.

Literature cited by the submitters: PubMed 12404112; PubMed 21598378.

NM_033305.3(VPS13A):c.5989C>T (p.Gln1997Ter)

Gene: VPS13A (vacuolar protein sorting 13 homolog A; plus strand). Cytogenetic location: 9q21.2.
Variant type: single nucleotide variant.
Coding change: c.5989C>T on transcript NM_033305.3 (MANE Select); coding-DNA position 5989, C replaced by T.
Protein change: p.Gln1997Ter; replaces glutamine 1997 with a stop codon.
Molecular consequence: nonsense.
Genome position (GRCh38, 1-based): chr9:77,323,225, C>T. VCF-style: chr9-77323225-C-T. GRCh37 (hg19) VCF-style: chr9-79938141-C-T.
Other names: c.5872C>T, p.Gln1958Ter (NM_001018037.2); c.5989C>T, p.Gln1997Ter (NM_001018038.3, NM_015186.4); short protein forms Q1997*, Q1958*.
Identifiers: ClinVar variation 1420750 (VCV001420750.6), dbSNP rs2131455014, ClinGen allele CA373865681.
Genomic context (GRCh38, chr9:77,323,225, plus strand): 5'-ATTGTTTGTCAAATTGATACAGTAGAAGGAAGTAAGAAGGTCACAATTCGCTCCCCAGTG[C>T]AGGTATGAAATGATCAATTTTGGGGGATGTCCTGTTATGCATATCTGTGTGCTAATAAAA-3'